The following is an entry in ClinVar:

ClinVar aggregate classification (germline): Likely benign. Review status: criteria provided, single submitter (1 of 4 stars). 2 submissions from 2 submitters: Likely benign (1). 1 of the submissions does not count toward it. Last evaluated 2025-12-15.

Conditions:
C7-related disorder. Also called: C7-related condition.

Allele frequency attached by ClinVar (database versions not stated): ExAC 0.00002; gnomAD 0.00007; TOPMed 0.00007; ESP Exome Variant Server 0.00017.
gnomAD v4.1: 30 of 1,613,480 alleles (0.0019%); highest among the groups gnomAD compares: Middle Eastern, 0.016%; no homozygotes.

Submissions (2):

Labcorp Genetics (formerly Invitae), Labcorp
Classification: Likely benign. Last evaluated: 2025-12-15. Review status: criteria provided, single submitter. Criteria: Invitae Variant Classification Sherloc (09022015). Collection method: clinical testing. Allele origin: germline.

PreventionGenetics, part of Exact Sciences
Classification: Likely benign for C7-related condition. Last evaluated: 2023-04-25. Review status: no assertion criteria provided. Collection method: clinical testing. Allele origin: germline. Not counted in ClinVar's aggregate classification.
Comment: This variant is classified as likely benign based on ACMG/AMP sequence variant interpretation guidelines (Richards et al. 2015 PMID: 25741868, with internal and published modifications).

NM_000587.4(C7):c.897C>T (p.Tyr299=)

Gene: C7 (complement C7; plus strand). Cytogenetic location: 5p13.1.
Variant type: single nucleotide variant.
Coding change: c.897C>T on transcript NM_000587.4 (MANE Select); coding-DNA position 897, C replaced by T.
Protein change: p.Tyr299=; no amino-acid change (tyrosine 299 retained).
Molecular consequence: synonymous variant.
Genome position (GRCh38, 1-based): chr5:40,947,760, C>T. VCF-style: chr5-40947760-C-T. GRCh37 (hg19) VCF-style: chr5-40947862-C-T.
Other names: c.897C>T (NM_000587.3).
Identifiers: ClinVar variation 1936746 (VCV001936746.7), dbSNP rs376298749, ClinGen allele CA3249787.